The following is an entry in ClinVar:

ClinVar aggregate classification (germline): Uncertain significance (1 of 4 stars; one submission).

Conditions:
PGM1-congenital disorder of glycosylation. Also called: CDG It; Congenital disorder of glycosylation type 1t; PHOSPHOGLUCOMUTASE 1 DEFICIENCY; PGM1 DEFICIENCY; GLYCOGEN STORAGE DISEASE XIV; GSD XIV. Identifiers: Orphanet 319646, MedGen C2752015, MONDO:0013968, OMIM 614921.

Submission:

Labcorp Genetics (formerly Invitae), Labcorp
Classification: Uncertain significance for PGM1-congenital disorder of glycosylation. Last evaluated: 2025-05-05. Review status: criteria provided, single submitter. Criteria: Invitae Variant Classification Sherloc (09022015). Collection method: clinical testing. Allele origin: germline.
Comment: This sequence change replaces glycine, which is neutral and non-polar, with cysteine, which is neutral and slightly polar, at codon 84 of the PGM1 protein (p.Gly84Cys). This variant is not present in population databases (gnomAD no frequency). This variant has not been reported in the literature in individuals affected with PGM1-related conditions. Invitae Evidence Modeling of protein sequence and biophysical properties (such as structural, functional, and spatial information, amino acid conservation, physicochemical variation, residue mobility, and thermodynamic stability) indicates that this missense variant is expected to disrupt PGM1 protein function with a positive predictive value of 80%. In summary, the available evidence is currently insufficient to determine the role of this variant in disease. Therefore, it has been classified as a Variant of Uncertain Significance.

NM_002633.3(PGM1):c.250G>T (p.Gly84Cys)

Gene: PGM1 (phosphoglucomutase 1; plus strand). Cytogenetic location: 1p31.3.
Variant type: single nucleotide variant.
Coding change: c.250G>T on transcript NM_002633.3 (MANE Select); coding-DNA position 250, G replaced by T.
Protein change: p.Gly84Cys; replaces glycine 84 with cysteine.
Molecular consequence: missense variant. On other transcripts: 5 prime UTR variant (1).
Genome position (GRCh38, 1-based): chr1:63,629,428, G>T. VCF-style: chr1-63629428-G-T. GRCh37 (hg19) VCF-style: chr1-64095099-G-T.
Other names: c.304G>T, p.Gly102Cys (NM_001172818.1); c.-342G>T (NM_001172819.2); short protein forms G102C, G84C.
Identifiers: ClinVar variation 4780785 (VCV004780785.1).